The following is an entry in ClinVar:

NM_003227.4(TFR2):c.-39C>T

Gene: TFR2 (transferrin receptor 2; minus strand). Cytogenetic location: 7q22.1.
Variant type: single nucleotide variant.
Coding change: c.-39C>T on transcript NM_003227.4 (MANE Select); 39 bases upstream of the start codon, C replaced by T.
Molecular consequence: 5 prime UTR variant.
Genome position (GRCh38, 1-based): chr7:100,641,548, G>A on the plus strand (C>T on the coding strand, the complement: TFR2 is on the minus strand). VCF-style: chr7-100641548-G-A. GRCh37 (hg19) VCF-style: chr7-100239171-G-A.
Identifiers: ClinVar variation 358303 (VCV000358303.6), dbSNP rs41302354, ClinGen allele CA4386961.
Genomic context (GRCh38, chr7:100,641,548, plus strand): 5'-ATAGACCCCAAAGCCGCTCCATGCTTGTGTCCCCTCCTGAAGCCTGCAGGCTGTCCCCCA[G>A]CGATAAACCGATAAACCGTTTGTGGGAGCCCTAGGAGGGCCCCTTATCAGTCCTGGCAGG-3'

ClinVar aggregate classification (germline): Benign. Review status: criteria provided, multiple submitters, no conflicts (2 of 4 stars). 2 submissions from 2 submitters: Benign (2). Last evaluated 2018-01-12.

Conditions:
Hemochromatosis type 3 (HFE3). Also called: HEMOCHROMATOSIS DUE TO DEFECT IN TRANSFERRIN RECEPTOR 2; Hereditary hemochromatosis type 3; TFR2-Related Hemochromatosis. Identifiers: Orphanet 225123, MedGen C1858664, MONDO:0011417, OMIM 604250.

Allele frequency attached by ClinVar (database versions not stated): gnomAD exomes 0.00070 and 0.00192; ExAC 0.00237; 1000 Genomes Project 0.00779; gnomAD 0.00797 and 0.00844; 1000 Genomes Project 30x 0.00812; TOPMed 0.00897; ESP Exome Variant Server 0.00907.
gnomAD v4.1: 2,316 of 1,611,946 alleles (0.14%); highest among the groups gnomAD compares: African/African-American, 2.6%; 46 homozygotes.

Submissions (2):

Illumina Laboratory Services, Illumina
Classification: Benign for Hemochromatosis type 3. Last evaluated: 2018-01-12. Review status: criteria provided, single submitter. Criteria: ICSL Variant Classification Criteria 13 December 2019. Collection method: clinical testing. Allele origin: germline.
Comment: This variant was observed in the ICSL laboratory as part of a predisposition screen in an ostensibly healthy population. It had not been previously curated by ICSL or reported in the Human Gene Mutation Database (HGMD: prior to June 1st, 2018), and was therefore a candidate for classification through an automated scoring system. Utilizing variant allele frequency, disease prevalence and penetrance estimates, and inheritance mode, an automated score was calculated to assess if this variant is too frequent to cause the disease. Based on the score and internal cut-off values, a variant classified as benign is not then subjected to further curation. The score for this variant resulted in a classification of benign for this disease.

Breakthrough Genomics
Classification: Benign. Review status: criteria provided, single submitter. Criteria: ACMG Guidelines, 2015. Collection method: not provided. Allele origin: germline. Inheritance: Autosomal recessive inheritance. Affected: yes.